The following is an entry in ClinVar:

NM_014633.5(CTR9):c.2445-8T>C

Gene: CTR9 (CTR9 component of Paf1/RNA polymerase II complex; plus strand). Cytogenetic location: 11p15.4.
Variant type: single nucleotide variant.
Coding change: c.2445-8T>C on transcript NM_014633.5 (MANE Select); 8 bases into the intron before coding-DNA position 2445, T replaced by C.
Molecular consequence: intron variant.
Genome position (GRCh38, 1-based): chr11:10,772,512, T>C. VCF-style: chr11-10772512-T-C. GRCh37 (hg19) VCF-style: chr11-10794059-T-C.
Other names: c.2373-8T>C (NM_001346279.2); c.2445-8T>C (NM_014633.4).
Identifiers: ClinVar variation 1164678 (VCV001164678.11), dbSNP rs377011136, ClinGen allele CA5885337.

ClinVar aggregate classification (germline): Benign. Review status: criteria provided, single submitter (1 of 4 stars). 2 submissions from 2 submitters: Benign (1). 1 of the submissions does not count toward it. Last evaluated 2025-10-24.

Conditions:
CTR9-related disorder. Also called: CTR9-related condition.

Allele frequency attached by ClinVar (database versions not stated): ESP Exome Variant Server 0.00015; TOPMed 0.00016; gnomAD 0.00046 and 0.00050; gnomAD exomes 0.00049 and 0.00076; ExAC 0.00061.
gnomAD v4.1: 697 of 1,440,506 alleles (0.048%); highest among the groups gnomAD compares: Non-Finnish European, 0.042%; no homozygotes.

Submissions (2):

Labcorp Genetics (formerly Invitae), Labcorp
Classification: Benign. Last evaluated: 2025-10-24. Review status: criteria provided, single submitter. Criteria: Invitae Variant Classification Sherloc (09022015). Collection method: clinical testing. Allele origin: germline.

PreventionGenetics, part of Exact Sciences
Classification: Likely benign for CTR9-related condition. Last evaluated: 2019-03-25. Review status: no assertion criteria provided. Collection method: clinical testing. Allele origin: germline. Not counted in ClinVar's aggregate classification.
Comment: This variant is classified as likely benign based on ACMG/AMP sequence variant interpretation guidelines (Richards et al. 2015 PMID: 25741868, with internal and published modifications).